The following is an entry in ClinVar:

ClinVar aggregate classification (germline): Pathogenic/Likely pathogenic. Review status: criteria provided, multiple submitters, no conflicts (2 of 4 stars). 2 submissions from 2 submitters: Pathogenic (1); Likely pathogenic (1). Last evaluated 2026-09-16.

Conditions:
COL9A1-related disorder. Also called: COL9A1-related disorders; COL9A1-related condition.

Submissions (2):

PreventionGenetics, part of Exact Sciences
Classification: Likely pathogenic for COL9A1-related condition. Last evaluated: 2026-09-16. Review status: criteria provided, single submitter. Criteria: ACMG Guidelines, 2015. Collection method: clinical testing. Allele origin: germline.
Comment: The COL9A1 c.848dupC variant is predicted to result in a frameshift and premature protein termination (p.Gly284Trpfs*11). To our knowledge, this variant has not been reported in the literature. This variant is reported in 0.0063% of alleles in individuals of African descent in gnomAD. Frameshift variants in COL9A1 are expected to be pathogenic. This variant is interpreted as likely pathogenic.

Labcorp Genetics (formerly Invitae), Labcorp
Classification: Pathogenic. Last evaluated: 2025-04-28. Review status: criteria provided, single submitter. Criteria: Invitae Variant Classification Sherloc (09022015). Collection method: clinical testing. Allele origin: germline.
Comment: This sequence change creates a premature translational stop signal (p.Gly284Trpfs*11) in the COL9A1 gene. It is expected to result in an absent or disrupted protein product. Loss-of-function variants in COL9A1 are known to be pathogenic (PMID: 16909383, 21421862). This variant is present in population databases (no rsID available, gnomAD 0.007%). This variant has not been reported in the literature in individuals affected with COL9A1-related conditions. ClinVar contains an entry for this variant (Variation ID: 1071983). For these reasons, this variant has been classified as Pathogenic.

Literature cited by the submitters: PubMed 16909383 (cited by Labcorp Genetics (formerly Invitae), Labcorp); PubMed 21421862 (cited by Labcorp Genetics (formerly Invitae), Labcorp).

NM_001851.6(COL9A1):c.848dup (p.Gly284fs)

Gene: COL9A1 (collagen type IX alpha 1 chain; minus strand). Cytogenetic location: 6q13.
Variant type: Duplication.
Coding change: c.848dup on transcript NM_001851.6 (MANE Select); coding-DNA position 848, one base duplicated (C; older notation c.848dupC).
Protein change: p.Gly284fs; shifts the reading frame from glycine 284.
Molecular consequence: frameshift variant. On other transcripts: non-coding transcript variant (1).
Genome position (GRCh38, 1-based): chr6:70,281,418, G duplicated on the plus strand (C on the coding strand, the reverse complement: COL9A1 is on the minus strand); the first of 6 consecutive G bases (chr6:70,281,418-70,281,423); duplicating any one gives the same sequence. VCF-style (leftmost placement, unchanged base first): chr6-70281417-A-AG. GRCh37 (hg19) VCF-style: chr6-70991120-A-AG.
Other names: c.119dup, p.Gly41fs (NM_001377289.1, NM_001377290.1, NM_078485.4); c.848dup, p.Gly284fs (NM_001377291.1); c.848dupC (NM_001851.4); short protein forms G284fs, G41fs.
Identifiers: ClinVar variation 1071983 (VCV001071983.8), dbSNP rs941174282, ClinGen allele CA140819861.